The following is an entry in ClinVar:

ClinVar aggregate classification (germline): Uncertain significance (1 of 4 stars; one submission).

Conditions:
Hereditary cancer-predisposing syndrome. Also called: Neoplastic Syndromes, Hereditary; Hereditary Cancer Syndrome; Tumor predisposition; Hereditary neoplastic syndrome. Identifiers: Orphanet 140162, MedGen C0027672, MeSH D009386, MONDO:0015356.

Submission:

Ambry Genetics
Classification: Uncertain significance for Hereditary cancer-predisposing syndrome. Last evaluated: 2025-01-17. Review status: criteria provided, single submitter. Criteria: Ambry Variant Classification Scheme 2023. Collection method: clinical testing. Allele origin: germline.
Comment: The p.S353T variant (also known as c.1058G>C), located in coding exon 10 of the SMARCE1 gene, results from a G to C substitution at nucleotide position 1058. The serine at codon 353 is replaced by threonine, an amino acid with similar properties. This amino acid position is conserved. In addition, this alteration is predicted to be tolerated by in silico analysis. Based on the available evidence, the clinical significance of this variant remains unclear.

NM_003079.5(SMARCE1):c.1058G>C (p.Ser353Thr)

Gene: SMARCE1 (SWI/SNF related BAF chromatin remodeling complex subunit E1; minus strand). Cytogenetic location: 17q21.2.
Variant type: single nucleotide variant.
Coding change: c.1058G>C on transcript NM_003079.5 (MANE Select); coding-DNA position 1058, G replaced by C.
Protein change: p.Ser353Thr; replaces serine 353 with threonine.
Molecular consequence: missense variant.
Genome position (GRCh38, 1-based): chr17:40,628,963, C>G on the plus strand (G>C on the coding strand, the complement: SMARCE1 is on the minus strand). VCF-style: chr17-40628963-C-G. GRCh37 (hg19) VCF-style: chr17-38785215-C-G.
Other names: short protein forms S353T.
Identifiers: ClinVar variation 3799014 (VCV003799014.1).